The following is an entry in ClinVar:

NM_002474.3(MYH11):c.4579G>T (p.Val1527Phe)

Genes: MYH11 (myosin heavy chain 11; minus strand), NDE1 (nudE neurodevelopment protein 1; plus strand). Cytogenetic location: 16p13.11.
Variant type: single nucleotide variant.
Coding change: c.4579G>T on transcript NM_002474.3 (MANE Select); coding-DNA position 4579, G replaced by T.
Protein change: p.Val1527Phe; replaces valine 1527 with phenylalanine.
Molecular consequence: missense variant. On other transcripts: intron variant (2).
Genome position (GRCh38, 1-based): chr16:15,721,051, C>A on the plus strand (G>T on the coding strand, the complement: MYH11 is on the minus strand). VCF-style: chr16-15721051-C-A. GRCh37 (hg19) VCF-style: chr16-15814908-C-A.
Other names: c.4600G>T, p.Val1534Phe (NM_001040113.2, NM_001040114.2); c.4579G>T, p.Val1527Phe (NM_022844.3); c.948-3140C>A (NM_001143979.2, NM_017668.3); short protein forms V1527F, V1534F.
Identifiers: ClinVar variation 926768 (VCV000926768.5), dbSNP rs774544947, ClinGen allele CA394854663.

ClinVar aggregate classification (germline): Uncertain significance. Review status: criteria provided, multiple submitters, no conflicts (2 of 4 stars). 2 submissions from 2 submitters: Uncertain significance (2). Last evaluated 2025-01-19.

Conditions:
Familial thoracic aortic aneurysm and aortic dissection (TAAD). Also called: Thoracic aortic aneurysms and dissections. Identifiers: Orphanet 91387, MedGen C4707243, MONDO:0019625.
Aortic aneurysm, familial thoracic 4 (AAT4). Also called: AORTIC ANEURYSM/AORTIC DISSECTION AND PATENT DUCTUS ARTERIOSUS. Identifiers: MedGen C1851504, MONDO:0007568, OMIM 132900.

Allele frequency attached by ClinVar (database versions not stated): TOPMed below 0.00001.

Submissions (2):

Labcorp Genetics (formerly Invitae), Labcorp
Classification: Uncertain significance for Aortic aneurysm, familial thoracic 4. Last evaluated: 2025-01-19. Review status: criteria provided, single submitter. Criteria: Invitae Variant Classification Sherloc (09022015). Collection method: clinical testing. Allele origin: germline.
Comment: This sequence change replaces valine, which is neutral and non-polar, with phenylalanine, which is neutral and non-polar, at codon 1534 of the MYH11 protein (p.Val1534Phe). This variant is not present in population databases (gnomAD no frequency). This variant has not been reported in the literature in individuals affected with MYH11-related conditions. ClinVar contains an entry for this variant (Variation ID: 926768). An algorithm developed to predict the effect of missense changes on protein structure and function (PolyPhen-2) suggests that this variant is likely to be disruptive. Algorithms developed to predict the effect of sequence changes on RNA splicing suggest that this variant may disrupt the consensus splice site. In summary, the available evidence is currently insufficient to determine the role of this variant in disease. Therefore, it has been classified as a Variant of Uncertain Significance.

Color Diagnostics, LLC DBA Color Health
Classification: Uncertain significance for Familial thoracic aortic aneurysm and aortic dissection. Last evaluated: 2019-09-18. Review status: criteria provided, single submitter. Criteria: ACMG Guidelines, 2015. Collection method: clinical testing. Allele origin: germline.
Comment: This missense variant replaces valine with phenylalanine at codon 1534 of the MYH11 protein. Computational prediction tool suggests that this variant may have deleterious impact on protein structure and function (internally defined REVEL score threshold ≥0.7, PMID: 27666373). Splice site prediction tools suggest that this variant may not impact RNA splicing. To our knowledge, functional studies have not been performed for this variant. This variant has not been reported in individuals affected with cardiovascular disorders in the literature. This variant has not been identified in the general population by the Genome Aggregation Database (gnomAD). The available evidence is insufficient to determine the role of this variant in disease conclusively. Therefore, this variant is classified as a Variant of Uncertain Significance.